The following is an entry in ClinVar:

ClinVar aggregate classification (germline): Likely benign. Review status: criteria provided, multiple submitters, no conflicts (2 of 4 stars). 3 submissions from 3 submitters: Likely benign (2). 1 of the submissions does not count toward it. Last evaluated 2025-11-19.

Conditions:
PTCH2-related disorder. Also called: PTCH2-related condition; PTCH2-related disease.
Gorlin syndrome. Also called: Nevoid Basal Cell Carcinoma Syndrome; Basal cell nevus syndrome. Identifiers: Orphanet 377, MedGen C0004779, MONDO:0007187.

Allele frequency attached by ClinVar (database versions not stated): gnomAD exomes 0.00002; gnomAD 0.00004; ESP Exome Variant Server 0.00008; TOPMed 0.00012; ExAC 0.00013.
gnomAD v4.1: 34 of 1,594,796 alleles (0.0021%); highest among the groups gnomAD compares: African/African-American, 0.024%; no homozygotes.

Submissions (3):

Labcorp Genetics (formerly Invitae), Labcorp
Classification: Likely benign for Gorlin syndrome. Last evaluated: 2025-11-19. Review status: criteria provided, single submitter. Criteria: Invitae Variant Classification Sherloc (09022015). Collection method: clinical testing. Allele origin: germline.

CeGaT Center for Human Genetics Tuebingen
Classification: Likely benign. Last evaluated: 2024-08-01. Review status: criteria provided, single submitter. Criteria: CeGaT Center For Human Genetics Tuebingen Variant Classification Criteria Version 2. Collection method: clinical testing. Allele origin: germline. Affected: yes. Observed: 1 variant allele.
Comment: PTCH2: BP4, BP7

PreventionGenetics, part of Exact Sciences
Classification: Likely benign for PTCH2-related condition. Last evaluated: 2023-05-26. Review status: no assertion criteria provided. Collection method: clinical testing. Allele origin: germline. Not counted in ClinVar's aggregate classification.
Comment: This variant is classified as likely benign based on ACMG/AMP sequence variant interpretation guidelines (Richards et al. 2015 PMID: 25741868, with internal and published modifications).

NM_003738.5(PTCH2):c.1410C>T (p.Asp470=)

Gene: PTCH2 (patched 2; minus strand). Cytogenetic location: 1p34.1.
Variant type: single nucleotide variant.
Coding change: c.1410C>T on transcript NM_003738.5 (MANE Select); coding-DNA position 1410, C replaced by T.
Protein change: p.Asp470=; no amino-acid change (aspartic acid 470 retained).
Molecular consequence: synonymous variant.
Genome position (GRCh38, 1-based): chr1:44,829,036, G>A on the plus strand (C>T on the coding strand, the complement: PTCH2 is on the minus strand). VCF-style: chr1-44829036-G-A. GRCh37 (hg19) VCF-style: chr1-45294708-G-A.
Other names: c.1410C>T, p.Asp470= (NM_001166292.2); c.1410C>T (NM_003738.4).
Identifiers: ClinVar variation 2081786 (VCV002081786.21), dbSNP rs140228016, ClinGen allele CA823317.